The following is an entry in ClinVar:

NM_144643.4(SCLT1):c.1439+1del

Gene: SCLT1 (sodium channel and clathrin linker 1; minus strand). Cytogenetic location: 4q28.2.
Variant type: Deletion.
Coding change: c.1439+1del on transcript NM_144643.4 (MANE Select); the canonical splice donor site of the intron after coding-DNA position 1439, one base deleted (G; older notation c.1439+1delG).
Molecular consequence: splice donor variant.
Genome position (GRCh38, 1-based): chr4:128,946,006, C deleted on the plus strand (G on the coding strand, the reverse complement: SCLT1 is on the minus strand). VCF-style (leftmost placement, unchanged base first): chr4-128946005-AC-A. GRCh37 (hg19) VCF-style: chr4-129867160-AC-A.
Other names: c.1439+1del (NM_001410807.1).
Identifiers: ClinVar variation 3340473 (VCV003340473.3).

ClinVar aggregate classification (germline): Likely pathogenic. Review status: criteria provided, multiple submitters, no conflicts (2 of 4 stars). 2 submissions from 2 submitters: Likely pathogenic (2). Last evaluated 2024-01-23.

Conditions:
SCLT1-related disorder. Also called: SCLT1-related condition.
Bardet-Biedl syndrome (BBS). Identifiers: Orphanet 110, MedGen C0752166, MONDO:0015229.

Submissions (2):

Clinical Genetics Laboratory, Region Ostergotland
Classification: Likely pathogenic for Bardet-Biedl Syndrome. Last evaluated: 2024-01-23. Review status: criteria provided, single submitter. Criteria: ACMG Guidelines, 2015. Collection method: clinical testing. Allele origin: germline. Affected: yes.
Comment: The following ACMG criteria were applied in classifying this variant: PVS1, PM2

Blueprint Genetics
Classification: Likely pathogenic for SCLT1-related disorders. Last evaluated: 2020-10-21. Review status: criteria provided, single submitter. Criteria: ACMG Guidelines, 2015. Collection method: clinical testing. Allele origin: germline. Affected: yes. Observed: 1 variant allele.